The following is an entry in ClinVar:

NM_012144.4(DNAI1):c.1720_1725delinsTGATAGGAATAAGGGCTAAATGCAGGAAAGGGGATGGAGAATCTAGAGGGTGACTTTAGCCCAGCTCAGCATCTTTTCCTCCGGGCCCTCCCTCCCTTCCTGGGAGTTGAGGTAGAAGGGGGGATTCGGAGGAGTTAGAATATTTTGGGAAAACTTCCTGGAGGAGATTTGTACTTGAGCTGAGCTTGGAAGGCCAGAATTATCTCTGAATACTGGGTACATCCCAGCCAGCAGGATGGAACCTCACGGTCAGTTTCTACACA (p.Thr574_Pro575delinsTer)

Gene: DNAI1 (dynein axonemal intermediate chain 1; plus strand). Cytogenetic location: 9p13.3.
Variant type: Indel.
Coding change: c.1720_1725delinsTGATAGGAATAAGGGCTAAATGCAGGAAAGGGGATGGAGAATCTAGAGGGTGACTTTAGCCCAGCTCAGCATCTTTTCCTCCGGGCCCTCCCTCCCTTCCTGGGAGTTGAGGTAGAAGGGGGGATTCGGAGGAGTTAGAATATTTTGGGAAAACTTCCTGGAGGAGATTTGTACTTGAGCTGAGCTTGGAAGGCCAGAATTATCTCTGAATACTGGGTACATCCCAGCCAGCAGGATGGAACCTCACGGTCAGTTTCTACACA on transcript NM_012144.4 (MANE Select); coding-DNA positions 1720 to 1725, the reference bases replaced by an inserted sequence.
Protein change: p.Thr574_Pro575delinsTer.
Molecular consequence: nonsense.
Genome position (GRCh38, 1-based): chr9:34,514,641-34,514,646, 6 bases replaced. GRCh37 (hg19): chr9:34,514,639-34,514,644.
Other names: c.1732_1737delinsTGATAGGAATAAGGGCTAAATGCAGGAAAGGGGATGGAGAATCTAGAGGGTGACTTTAGCCCAGCTCAGCATCTTTTCCTCCGGGCCCTCCCTCCCTTCCTGGGAGTTGAGGTAGAAGGGGGGATTCGGAGGAGTTAGAATATTTTGGGAAAACTTCCTGGAGGAGATTTGTACTTGAGCTGAGCTTGGAAGGCCAGAATTATCTCTGAATACTGGGTACATCCCAGCCAGCAGGATGGAACCTCACGGTCAGTTTCTACACA, p.Thr578_Pro579delinsTer (NM_001281428.2).
Identifiers: ClinVar variation 2126586 (VCV002126586.4), dbSNP rs2492127338, ClinGen allele CA2580080395.

ClinVar aggregate classification (germline): Pathogenic (1 of 4 stars; one submission).

Conditions:
Primary ciliary dyskinesia. Also called: Ciliary dyskinesia. Identifiers: Orphanet 244, MedGen C0008780, MONDO:0016575, HP:0012265.

Submission:

Labcorp Genetics (formerly Invitae), Labcorp
Classification: Pathogenic for Primary ciliary dyskinesia. Last evaluated: 2022-04-15. Review status: criteria provided, single submitter. Criteria: Invitae Variant Classification Sherloc (09022015). Collection method: clinical testing. Allele origin: germline.
Comment: This sequence change creates a premature translational stop signal (p.Thr574*) in the DNAI1 gene. It is expected to result in an absent or disrupted protein product. Loss-of-function variants in DNAI1 are known to be pathogenic (PMID: 16858015, 29363216). This variant is not present in population databases (gnomAD no frequency). This variant has not been reported in the literature in individuals affected with DNAI1-related conditions. For these reasons, this variant has been classified as Pathogenic.

Literature cited by the submitters: PubMed 16858015; PubMed 29363216.